The following is an entry in ClinVar:

ClinVar aggregate classification (germline): Pathogenic/Likely pathogenic. Review status: criteria provided, multiple submitters, no conflicts (2 of 4 stars). 4 submissions from 4 submitters: Pathogenic (1); Likely pathogenic (3). Last evaluated 2025-08-11.

Conditions:
Cardiovascular phenotype. Identifiers: MedGen CN230736.
Dilated cardiomyopathy 1G (CMD1G). Identifiers: Orphanet 154, MedGen C1858763, MONDO:0011400, OMIM 604145.
Autosomal recessive limb-girdle muscular dystrophy type 2J (LGMDR10). Also called: Limb-girdle muscular dystrophy, type 2J; MUSCULAR DYSTROPHY, LIMB-GIRDLE, AUTOSOMAL RECESSIVE 10. Identifiers: Orphanet 140922, MedGen C1837342, MONDO:0012127, OMIM 608807.
TTN-related disorder. Also called: TTN-related condition; TTN-related disease; TTN-related disorders.

Submissions (4):

Dasa
Classification: Pathogenic for Dilated cardiomyopathy 1G. Last evaluated: 2025-08-11. Review status: criteria provided, single submitter. Criteria: DASA Assertion Criteria. Collection method: clinical testing. Allele origin: germline.
Comment: NM_001267550.2(TTN):c.61977del (p.Ile20660Phefs*28) is a frameshift variant in TTN predicted to alter the reading frame and introduce a premature termination codon and is predicted to result in an absent or altered protein product. Loss of function is an established disease mechanism for TTN-associated disorders. This variant has been reported in individuals with TTN-related disorders. Also, this variant is absent from population databases. Based on the currently available evidence, this variant is classified as pathogenic.

Ambry Genetics
Classification: Likely pathogenic for Cardiovascular phenotype. Last evaluated: 2025-04-11. Review status: criteria provided, single submitter. Criteria: Ambry Variant Classification Scheme 2023. Collection method: clinical testing. Allele origin: germline.
Comment: The c.34782delC variant, located in coding exon 131 of the TTN gene, results from a deletion of one nucleotide at nucleotide position 34782, causing a translational frameshift with a predicted alternate stop codon (p.I11595Ffs*28). This exon is located in the A-band region of the N2-B isoform of the titin protein and is constitutively expressed in TTN transcripts (percent spliced in or PSI 100%). This variant was reported in individual(s) with features consistent with dilated cardiomyopathy (Ambry internal data). This variant is considered to be rare based on population cohorts in the Genome Aggregation Database (gnomAD). This variant is expected to result in loss of function by premature protein truncation or nonsense-mediated mRNA decay. While truncating variants in TTN are present in 1-3% of the general population, truncating variants in the A-band are the most common cause of dilated cardiomyopathy (Herman DS et al. N. Engl. J. Med., 2012 Feb;366:619-28; Roberts AM et al. Sci Transl Med, 2015 Jan;7:270ra6). TTN truncating variants encoded in constitutive exons (PSI >90%) have been found to be significantly associated with DCM regardless of their position in titin (Schafer S et al. Nat. Genet., 2017 01;49:46-53; Akhtar MM et al. Circ Heart Fail, 2020 Oct;13:e006832; Massier M et al. Clin Genet, 2025 Jan). Based on the majority of available evidence to date, this variant is likely to be pathogenic.

Labcorp Genetics (formerly Invitae), Labcorp
Classification: Likely pathogenic for Dilated cardiomyopathy 1G; Autosomal recessive limb-girdle muscular dystrophy type 2J. Last evaluated: 2023-12-11. Review status: criteria provided, single submitter. Criteria: Invitae Variant Classification Sherloc (09022015). Collection method: clinical testing. Allele origin: germline.
Comment: This sequence change creates a premature translational stop signal (p.Ile20660Phefs*28) in the TTN gene. While this is not anticipated to result in nonsense mediated decay, it is expected to create a truncated TTN protein. This variant is not present in population databases (gnomAD no frequency). This variant has not been reported in the literature in individuals affected with TTN-related conditions. ClinVar contains an entry for this variant (Variation ID: 1690381). This variant is located in the A band of TTN (PMID: 25589632). Truncating variants in this region are significantly overrepresented in patients affected with dilated cardiomyopathy (PMID: 25589632). Truncating variants in this region have also been reported in individuals affected with autosomal recessive centronuclear myopathy (PMID: 23975875). In summary, the currently available evidence indicates that the variant is pathogenic, but additional data are needed to prove that conclusively. Therefore, this variant has been classified as Likely Pathogenic.

Laboratorio de Genetica e Diagnostico Molecular, Hospital Israelita Albert Einstein
Classification: Likely pathogenic for TTN-related disease. Last evaluated: 2021-05-26. Review status: criteria provided, single submitter. Criteria: ACMG Guidelines, 2015. Collection method: clinical testing. Allele origin: germline.
Comment: ACMG classification criteria: PVS1, PM2

Literature cited by the submitters: PubMed 25589632 (cited by Labcorp Genetics (formerly Invitae), Labcorp); PubMed 23975875 (cited by Labcorp Genetics (formerly Invitae), Labcorp).

NM_001267550.2(TTN):c.61977del (p.Ile20660fs)

Genes: TTN (titin; minus strand), TTN-AS1 (TTN antisense RNA 1; plus strand). Cytogenetic location: 2q31.2.
Variant type: Deletion.
Coding change: c.61977del on transcript NM_001267550.2 (MANE Select); coding-DNA position 61977, one base deleted (C; older notation c.61977delC).
Protein change: p.Ile20660fs; shifts the reading frame from isoleucine 20660.
Molecular consequence: frameshift variant.
Genome position (GRCh38, 1-based): chr2:178,589,748, G deleted on the plus strand (C on the coding strand, the reverse complement: TTN is on the minus strand); the first of 3 consecutive G bases (chr2:178,589,748-178,589,750); deleting any one gives the same sequence. VCF-style (leftmost placement, unchanged base first): chr2-178589747-TG-T. GRCh37 (hg19) VCF-style: chr2-179454474-TG-T.
Other names: c.57054del, p.Ile19019fs (NM_001256850.1); c.34782del, p.Ile11595fs (NM_003319.4); c.54273del, p.Ile18092fs (NM_133378.4); c.35157del, p.Ile11720fs (NM_133432.3); c.35358del, p.Ile11787fs (NM_133437.4); c.34782delC (NM_003319.4); short protein forms I11595fs, I11720fs, I11787fs, I18092fs, I19019fs, I20660fs.
Identifiers: ClinVar variation 2672301 (VCV002672301.7), dbSNP rs2154183984, ClinGen allele CA2573133803.
Genomic context (GRCh38, chr2:178,589,747, plus strand): 5'-TATCTGCAATGTGAAGGTTTTCAGGCTCACCTGGTCTGTCAATAGGGTTAATAGCCAGAA[TG>T]GGAGTTTTTGTTTCGATGGTTGGCCCAACACCTACTTTATTCTCTGCACAAACTCGGAAA-3'